The following is an entry in ClinVar:

NM_018026.4(PACS1):c.2033G>C (p.Ser678Thr)

Gene: PACS1 (phosphofurin acidic cluster sorting protein 1; plus strand). Cytogenetic location: 11q13.2.
Variant type: single nucleotide variant.
Coding change: c.2033G>C on transcript NM_018026.4 (MANE Select); coding-DNA position 2033, G replaced by C.
Protein change: p.Ser678Thr; replaces serine 678 with threonine.
Molecular consequence: missense variant.
Genome position (GRCh38, 1-based): chr11:66,234,171, G>C. VCF-style: chr11-66234171-G-C. GRCh37 (hg19) VCF-style: chr11-66001642-G-C.
Other names: short protein forms S678T.
Identifiers: ClinVar variation 3602154 (VCV003602154.1).

ClinVar aggregate classification (germline): Uncertain significance (1 of 4 stars; one submission).

Submission:

GeneDx
Classification: Uncertain significance. Last evaluated: 2024-08-02. Review status: criteria provided, single submitter. Criteria: GeneDx Variant Classification Process June 2021. Collection method: clinical testing. Allele origin: germline. Affected: yes.
Comment: Not observed at significant frequency in large population cohorts (gnomAD); In silico analysis indicates that this missense variant does not alter protein structure/function; Has not been previously published as pathogenic or benign to our knowledge